The following is an entry in ClinVar:

ClinVar aggregate classification (germline): Uncertain significance. Review status: criteria provided, multiple submitters, no conflicts (2 of 4 stars). 2 submissions from 2 submitters: Uncertain significance (2). Last evaluated 2024-09-30.

Conditions:
Inborn genetic diseases. Identifiers: MedGen C0950123, MeSH D030342.
Hereditary spastic paraplegia 49 (HSAN9). Also called: Spastic paraplegia 49, autosomal recessive; TECPR2-Related Hereditary Sensory and Autonomic Neuropathy with Intellectual Disability; NEUROPATHY, HEREDITARY SENSORY AND AUTONOMIC, TYPE IX, WITH DEVELOPMENTAL DELAY. Identifiers: Orphanet 320385, MedGen C5190860, MONDO:0014016, OMIM 615031.

Submissions (2):

Ambry Genetics
Classification: Uncertain significance for Inborn genetic diseases. Last evaluated: 2024-09-30. Review status: criteria provided, single submitter. Criteria: Ambry Variant Classification Scheme 2023. Collection method: clinical testing. Allele origin: germline.

Labcorp Genetics (formerly Invitae), Labcorp
Classification: Uncertain significance for Hereditary spastic paraplegia 49. Last evaluated: 2024-01-29. Review status: criteria provided, single submitter. Criteria: Invitae Variant Classification Sherloc (09022015). Collection method: clinical testing. Allele origin: germline.
Comment: This sequence change replaces glutamic acid, which is acidic and polar, with lysine, which is basic and polar, at codon 551 of the TECPR2 protein (p.Glu551Lys). This variant is not present in population databases (gnomAD no frequency). This variant has not been reported in the literature in individuals affected with TECPR2-related conditions. ClinVar contains an entry for this variant (Variation ID: 2143840). An algorithm developed to predict the effect of missense changes on protein structure and function (PolyPhen-2) suggests that this variant is likely to be tolerated. In summary, the available evidence is currently insufficient to determine the role of this variant in disease. Therefore, it has been classified as a Variant of Uncertain Significance.

NM_014844.5(TECPR2):c.1651G>A (p.Glu551Lys)

Gene: TECPR2 (tectonin beta-propeller repeat containing 2; plus strand). Cytogenetic location: 14q32.31.
Variant type: single nucleotide variant.
Coding change: c.1651G>A on transcript NM_014844.5 (MANE Select); coding-DNA position 1651, G replaced by A.
Protein change: p.Glu551Lys; replaces glutamic acid 551 with lysine.
Molecular consequence: missense variant.
Genome position (GRCh38, 1-based): chr14:102,434,468, G>A. VCF-style: chr14-102434468-G-A. GRCh37 (hg19) VCF-style: chr14-102900805-G-A.
Other names: c.1651G>A (NM_014844.3); c.1651G>A, p.Glu551Lys (NM_001172631.3); short protein forms E551K.
Identifiers: ClinVar variation 2143840 (VCV002143840.5), dbSNP rs2504424273, ClinGen allele CA391060273.
Genomic context (GRCh38, chr14:102,434,468, plus strand): 5'-AATGGTGAAGTGAACGGTGTCCCACAGGAAAATACTGACCCCGAAACGTTTAATGTCCTG[G>A]AGGTGTCAGGATCAATGCCTGATTCTCTGGCTGAGGAAGATGACATTAGAACTGAAATGC-3'
Protein context (NP_055659.2, residues 541-561): NTDPETFNVL[Glu551Lys]VSGSMPDSLA